The following is an entry in ClinVar:

NM_014363.6(SACS):c.815G>A (p.Arg272His)

Gene: SACS (sacsin molecular chaperone; minus strand). Cytogenetic location: 13q12.12.
Variant type: single nucleotide variant.
Coding change: c.815G>A on transcript NM_014363.6 (MANE Select); coding-DNA position 815, G replaced by A.
Protein change: p.Arg272His; replaces arginine 272 with histidine.
Molecular consequence: missense variant.
Genome position (GRCh38, 1-based): chr13:23,355,797, C>T on the plus strand (G>A on the coding strand, the complement: SACS is on the minus strand). VCF-style: chr13-23355797-C-T. GRCh37 (hg19) VCF-style: chr13-23929936-C-T.
Other names: c.374G>A, p.Arg125His (NM_001278055.2); c.815G>A (NM_014363.5); short protein forms R272H, R125H.
Identifiers: ClinVar variation 554404 (VCV000554404.14), dbSNP rs745907077, ClinGen allele CA6912020.
Genomic context (GRCh38, chr13:23,355,797, plus strand): 5'-ACCTTCTGCTTATTGTAGAGGTTACTACTAAGTTGTGAAGGTTGTAGGCGAAGAGGGAAA[C>T]GGAAAAATGTTCCTGGAAAATTGCCGTTTATAAATGTTTCCTTGGTGCTTCCAAAAATGC-3'
Protein context (NP_055178.3, residues 262-282): INGNFPGTFF[Arg272His]FPLRLQPSQL

ClinVar aggregate classification (germline): Pathogenic/Likely pathogenic. Review status: criteria provided, multiple submitters, no conflicts (2 of 4 stars). 8 submissions from 8 submitters: Pathogenic (2); Likely pathogenic (4). 2 of the submissions do not count toward it. Last evaluated 2024-12-30.

Conditions:
Charlevoix-Saguenay spastic ataxia (SACS). Also called: AUTOSOMAL RECESSIVE SPASTIC ATAXIA OF CHARLEVOIX-SAGUENAY; SPASTIC ATAXIA 6, AUTOSOMAL RECESSIVE; Spastic ataxia of Charlevoix-Saguenay. Identifiers: Orphanet 98, MedGen C1849140, MONDO:0010041, OMIM 270550.
Spastic paraplegia. Identifiers: MedGen C0037772, HP:0001258.

Allele frequency attached by ClinVar (database versions not stated): TOPMed below 0.00001; ExAC 0.00001; gnomAD exomes below 0.00001.

Submissions (8):

Natera, Inc.
Classification: Likely pathogenic for Charlevoix-Saguenay type spastic ataxia. Last evaluated: 2024-12-30. Review status: criteria provided, single submitter. Criteria: Natera Variant Classification Schema (03/2026). Collection method: clinical testing. Allele origin: germline.
Comment: The c.815G>A variant in SACS is a missense variant predicted to cause substitution of arginine to histidine at amino acid 272. This variant is rare in the general population with a frequency below the threshold expected for the associated phenotype(s). This variant has been observed in one or more individuals affected with the associated recessive disease, as either homozygous or compound heterozygous with a second variant (PMID: 26288984). A different variant at the same position has been determined to be Pathogenic or Likely Pathogenic. Computational prediction algorithms indicate this variant is likely to affect gene or protein function. Given the available evidence, this variant is classified as Likely Pathogenic.

Women's Health and Genetics/Laboratory Corporation of America, LabCorp
Classification: Pathogenic for Charlevoix-Saguenay spastic ataxia. Last evaluated: 2024-11-11. Review status: criteria provided, single submitter. Criteria: LabCorp Variant Classification Summary - May 2015. Collection method: clinical testing. Allele origin: germline.
Comment: Variant summary: SACS c.815G>A (p.Arg272His) results in a non-conservative amino acid change in the encoded protein sequence. Five of five in-silico tools predict a damaging effect of the variant on protein function. The variant allele was found at a frequency of 4e-06 in 251436 control chromosomes. c.815G>A has been reported in the literature in multiple homozygous individuals affected with Autosomal Recessive Spastic Ataxia Of Charlevoix-Saguenay (Dibilio_2013, Pilliod_2015). These data indicate that the variant is very likely to be associated with disease. A different variant affecting the same codon has been classified as pathogenic by our lab (c.814C>T, p.Arg272Cys), supporting the critical relevance of codon 272 to SACS protein function. To our knowledge, no experimental evidence demonstrating an impact on protein function has been reported. The following publications have been ascertained in the context of this evaluation (PMID: 23338241, 26288984). ClinVar contains an entry for this variant (Variation ID: 554404). Based on the evidence outlined above, the variant was classified as pathogenic.

Kariminejad - Najmabadi Pathology & Genetics Center
Classification: Likely pathogenic for Charlevoix-Saguenay spastic ataxia. Last evaluated: 2024-07-08. Review status: criteria provided, single submitter. Criteria: ACMG Guidelines, 2015. Collection method: clinical testing. Allele origin: germline. Inheritance: Autosomal recessive inheritance. Affected: yes.
Comment: PM5,PM2,PP3(Moderate),PM3

Baylor Genetics
Classification: Likely pathogenic for Charlevoix-Saguenay spastic ataxia. Last evaluated: 2023-02-23. Review status: criteria provided, single submitter. Criteria: ACMG Guidelines, 2015. Collection method: clinical testing. Allele origin: unknown.

PROSPAX: an integrated multimodal progression  chart in spastic ataxias, Center for Neurology; Hertie-Institute for Clinical Brain Research
Classification: Likely pathogenic for Charlevoix-Saguenay spastic ataxia. Last evaluated: 2022-01-01. Review status: criteria provided, single submitter. Criteria: ACMG Guidelines, 2015. Collection method: research. Allele origin: germline. Affected: yes.

Labcorp Genetics (formerly Invitae), Labcorp
Classification: Pathogenic for Spastic paraplegia. Last evaluated: 2020-12-04. Review status: criteria provided, single submitter. Criteria: Invitae Variant Classification Sherloc (09022015). Collection method: clinical testing. Allele origin: germline.
Comment: This variant disrupts the p.Arg272 amino acid residue in SACS. Other variant(s) that disrupt this residue have been determined to be pathogenic (PMID: 19892370, 30901567). This suggests that this residue is clinically significant, and that variants that disrupt this residue are likely to be disease-causing. Advanced modeling of protein sequence and biophysical properties (such as structural, functional, and spatial information, amino acid conservation, physicochemical variation, residue mobility, and thermodynamic stability) performed at Invitae indicates that this missense variant is expected to disrupt SACS protein function. This variant has been observed in individual(s) with clinical features of spastic ataxia of Charlevoix-Saguenay (ARSACS) (PMID: 23338241, 26288984). ClinVar contains an entry for this variant (Variation ID: 554404). This variant is present in population databases (rs745907077, ExAC 0.001%). This sequence change replaces arginine with histidine at codon 272 of the SACS protein (p.Arg272His). The arginine residue is moderately conserved and there is a small physicochemical difference between arginine and histidine. For these reasons, this variant has been classified as Pathogenic.

Solve-RD Consortium
Classification: Likely pathogenic for Charlevoix-Saguenay spastic ataxia. Last evaluated: 2022-06-01. Review status: no assertion criteria provided. Collection method: provider interpretation. Allele origin: inherited. Affected: yes. Not counted in ClinVar's aggregate classification.
Comment: Variant confirmed as disease-causing by referring clinical team

Variant identified during reanalysis of unsolved cases by the Solve-RD project. The Solve-RD project has received funding from the European Union’s Horizon 2020 research and innovation programme under grant agreement No 779257.

Counsyl
Classification: Likely pathogenic for Charlevoix-Saguenay spastic ataxia. Last evaluated: 2017-10-17. Review status: no assertion criteria provided. Collection method: clinical testing. Allele origin: unknown. Not counted in ClinVar's aggregate classification.

Literature cited by the submitters: PubMed 26288984 (cited by 4 submitters); PubMed 23338241 (cited by 3 submitters); PubMed 19892370 (cited by Labcorp Genetics (formerly Invitae), Labcorp); PubMed 30901567 (cited by Labcorp Genetics (formerly Invitae), Labcorp); PubMed 39825153 (cited by Solve-RD Consortium).